The following is an entry in ClinVar:

NM_001024630.4(RUNX2):c.274dup (p.Arg92fs)

Gene: RUNX2 (RUNX family transcription factor 2; plus strand). Cytogenetic location: 6p21.1.
Variant type: Duplication.
Coding change: c.274dup on transcript NM_001024630.4 (MANE Select); coding-DNA position 274, one base duplicated (C; older notation c.274dupC).
Protein change: p.Arg92fs; shifts the reading frame from arginine 92.
Molecular consequence: frameshift variant.
Genome position (GRCh38, 1-based): chr6:45,422,808, C duplicated; the last of 4 consecutive C bases (chr6:45,422,805-45,422,808); duplicating any one gives the same sequence. VCF-style (leftmost placement, unchanged base first): chr6-45422804-G-GC. GRCh37 (hg19) VCF-style: chr6-45390541-G-GC.
Other names: c.274dup, p.Arg92fs (NM_001015051.4); c.232dup, p.Arg78fs (NM_001278478.2, NM_001369405.1); short protein forms R78fs, R92fs.
Identifiers: ClinVar variation 1411501 (VCV001411501.6), dbSNP rs2150362526, ClinGen allele CA2573140917.

ClinVar aggregate classification (germline): Pathogenic (1 of 4 stars; one submission).

Submission:

Labcorp Genetics (formerly Invitae), Labcorp
Classification: Pathogenic. Last evaluated: 2025-02-17. Review status: criteria provided, single submitter. Criteria: Invitae Variant Classification Sherloc (09022015). Collection method: clinical testing. Allele origin: germline.
Comment: This sequence change creates a premature translational stop signal (p.Arg92Profs*69) in the RUNX2 gene. It is expected to result in an absent or disrupted protein product. Loss-of-function variants in RUNX2 are known to be pathogenic (PMID: 10521292, 11857736). This variant is not present in population databases (gnomAD no frequency). This variant has not been reported in the literature in individuals affected with RUNX2-related conditions. ClinVar contains an entry for this variant (Variation ID: 1411501). For these reasons, this variant has been classified as Pathogenic.

Literature cited by the submitters: PubMed 10521292; PubMed 11857736.